The following is an entry in ClinVar:

NM_001371596.2(MFSD8):c.136A>G (p.Met46Val)

Gene: MFSD8 (major facilitator superfamily domain containing 8; minus strand). Cytogenetic location: 4q28.2.
Variant type: single nucleotide variant.
Coding change: c.136A>G on transcript NM_001371596.2 (MANE Select); coding-DNA position 136, A replaced by G.
Protein change: p.Met46Val; replaces methionine 46 with valine.
Molecular consequence: missense variant. On other transcripts: initiator codon variant (1).
Genome position (GRCh38, 1-based): chr4:127,957,519, T>C on the plus strand (A>G on the coding strand, the complement: MFSD8 is on the minus strand). VCF-style: chr4-127957519-T-C. GRCh37 (hg19) VCF-style: chr4-128878674-T-C.
Other names: c.136A>G, p.Met46Val (NM_001363520.3, NM_001363521.3, NM_001371591.2 and 5 more transcripts); c.1A>G, p.Met1Val (NM_001371590.2, NM_001371595.1, NM_001410765.1); short protein forms M46V, M1V.
Identifiers: ClinVar variation 901899 (VCV000901899.10), dbSNP rs1427310721, ClinGen allele CA358165031.

ClinVar aggregate classification (germline): Uncertain significance. Review status: criteria provided, multiple submitters, no conflicts (2 of 4 stars). 4 submissions from 4 submitters: Uncertain significance (4). Last evaluated 2022-05-20.

Conditions:
Inborn genetic diseases. Identifiers: MedGen C0950123, MeSH D030342.
Neuronal ceroid lipofuscinosis 7 (CLN7). Also called: MFSD8-Related Neuronal Ceroid-Lipofuscinosis. Identifiers: Orphanet 168491, Orphanet 228366, MedGen C1838571, MONDO:0012588, OMIM 610951.

Allele frequency attached by ClinVar (database versions not stated): gnomAD exomes below 0.00001 and 0.00001; TOPMed below 0.00001; gnomAD 0.00001.
gnomAD v4.1: 6 of 1,607,920 alleles (0.00037%); highest among the groups gnomAD compares: South Asian, 0.0011%; no homozygotes.

Submissions (4):

Ambry Genetics
Classification: Uncertain significance for Inborn genetic diseases. Last evaluated: 2022-05-20. Review status: criteria provided, single submitter. Criteria: Ambry Variant Classification Scheme 2023. Collection method: clinical testing. Allele origin: germline.

Labcorp Genetics (formerly Invitae), Labcorp
Classification: Uncertain significance for Neuronal ceroid lipofuscinosis 7. Last evaluated: 2022-03-09. Review status: criteria provided, single submitter. Criteria: Invitae Variant Classification Sherloc (09022015). Collection method: clinical testing. Allele origin: germline.
Comment: This sequence change replaces methionine, which is neutral and non-polar, with valine, which is neutral and non-polar, at codon 46 of the MFSD8 protein (p.Met46Val). This variant is present in population databases (no rsID available, gnomAD 0.003%). This missense change has been observed in individual(s) with neuronal ceroid lipofuscinosis (PMID: 31489614). ClinVar contains an entry for this variant (Variation ID: 901899). Algorithms developed to predict the effect of missense changes on protein structure and function are either unavailable or do not agree on the potential impact of this missense change (SIFT: "Tolerated"; PolyPhen-2: "Probably Damaging"; Align-GVGD: "Class C0"). In summary, the available evidence is currently insufficient to determine the role of this variant in disease. Therefore, it has been classified as a Variant of Uncertain Significance.

Blueprint Genetics
Classification: Uncertain significance. Last evaluated: 2019-09-23. Review status: criteria provided, single submitter. Criteria: ACMG Guidelines, 2015. Collection method: clinical testing. Allele origin: germline.

Illumina Laboratory Services, Illumina
Classification: Uncertain significance for Neuronal ceroid lipofuscinosis 7. Last evaluated: 2018-01-12. Review status: criteria provided, single submitter. Criteria: ICSL Variant Classification Criteria 13 December 2019. Collection method: clinical testing. Allele origin: germline.

Literature cited by the submitters: PubMed 31489614 (cited by Ambry Genetics and Labcorp Genetics (formerly Invitae), Labcorp).